The following is an entry in ClinVar:

NM_003873.7(NRP1):c.835C>T (p.Leu279=)

Gene: NRP1 (neuropilin 1; minus strand). Cytogenetic location: 10p11.22.
Variant type: single nucleotide variant.
Coding change: c.835C>T on transcript NM_003873.7 (MANE Select); coding-DNA position 835, C replaced by T.
Protein change: p.Leu279=; no amino-acid change (leucine 279 retained).
Molecular consequence: synonymous variant. On other transcripts: non-coding transcript variant (1).
Genome position (GRCh38, 1-based): chr10:33,254,174, G>A on the plus strand (C>T on the coding strand, the complement: NRP1 is on the minus strand). VCF-style: chr10-33254174-G-A. GRCh37 (hg19) VCF-style: chr10-33543102-G-A.
Other names: c.835C>T, p.Leu279= (NM_001024628.3, NM_001024629.3, NM_001244972.2 and 2 more transcripts).
Identifiers: ClinVar variation 3348971 (VCV003348971.1).

ClinVar aggregate classification (germline): Likely benign (0 of 4 stars; one submission).

Conditions:
NRP1-related disorder. Also called: NRP1-related condition.

gnomAD v4.1: 2 of 1,611,848 alleles (0.00012%); highest among the groups gnomAD compares: Non-Finnish European, 0.00017%; no homozygotes.

Submission:

PreventionGenetics, part of Exact Sciences
Classification: Likely benign for NRP1-related condition. Last evaluated: 2024-02-21. Review status: no assertion criteria provided. Collection method: clinical testing. Allele origin: germline.
Comment: This variant is classified as likely benign based on ACMG/AMP sequence variant interpretation guidelines (Richards et al. 2015 PMID: 25741868, with internal and published modifications).